The following is an entry in ClinVar:

NM_024570.4(RNASEH2B):c.25G>A (p.Asp9Asn)

Genes: RNASEH2B (ribonuclease H2 subunit B; plus strand), RNASEH2B-AS1 (RNASEH2B antisense RNA 1; minus strand), LOC130009810 (ATAC-STARR-seq lymphoblastoid silent region 5362; plus strand). Cytogenetic location: 13q14.3.
Variant type: single nucleotide variant.
Coding change: c.25G>A on transcript NM_024570.4 (MANE Select); coding-DNA position 25, G replaced by A.
Protein change: p.Asp9Asn; replaces aspartic acid 9 with asparagine.
Molecular consequence: missense variant.
Genome position (GRCh38, 1-based): chr13:50,910,101, G>A. VCF-style: chr13-50910101-G-A. GRCh37 (hg19) VCF-style: chr13-51484237-G-A.
Other names: c.25G>A, p.Asp9Asn (NM_001142279.2); short protein forms D9N.
Identifiers: ClinVar variation 1471044 (VCV001471044.6), dbSNP rs1879259645, ClinGen allele CA388258398.
Genomic context (GRCh38, chr13:50,910,101, plus strand): 5'-CGCTGAGCCTGCGGCGCCCCGGAAGAGGCGGGCGGCATGGCCGCTGGCGTGGACTGCGGG[G>A]ACGGGGTTGGCGCCCGGCAGCACGTGTTCCTGGTTTCAGGTAAACACGCGCGCCCGGGCG-3'
Protein context (NP_078846.2, residues 1-19): MAAGVDCG[Asp9Asn]GVGARQHVFL

ClinVar aggregate classification (germline): Uncertain significance (1 of 4 stars; one submission).

Conditions:
Aicardi-Goutieres syndrome 2. Identifiers: Orphanet 51, MedGen C3489724, MONDO:0012429, OMIM 610181.

gnomAD v4.1: 1 of 1,463,046 alleles (0.000068%); highest among the groups gnomAD compares: Non-Finnish European, 0.00009%; no homozygotes.

Submission:

Labcorp Genetics (formerly Invitae), Labcorp
Classification: Uncertain significance for Aicardi-Goutieres syndrome 2. Last evaluated: 2023-08-10. Review status: criteria provided, single submitter. Criteria: Invitae Variant Classification Sherloc (09022015). Collection method: clinical testing. Allele origin: germline.
Comment: In summary, the available evidence is currently insufficient to determine the role of this variant in disease. Therefore, it has been classified as a Variant of Uncertain Significance. Algorithms developed to predict the effect of missense changes on protein structure and function output the following: SIFT: "Not Available"; PolyPhen-2: "Not Available"; Align-GVGD: "Not Available". The asparagine amino acid residue is found in multiple mammalian species, which suggests that this missense change does not adversely affect protein function. ClinVar contains an entry for this variant (Variation ID: 1471044). This variant has not been reported in the literature in individuals affected with RNASEH2B-related conditions. This variant is not present in population databases (gnomAD no frequency). This sequence change replaces aspartic acid, which is acidic and polar, with asparagine, which is neutral and polar, at codon 9 of the RNASEH2B protein (p.Asp9Asn).